The following is an entry in ClinVar:

NM_001353108.3(CEP63):c.789+6T>C

Gene: CEP63 (centrosomal protein 63; plus strand). Cytogenetic location: 3q22.2.
Variant type: single nucleotide variant.
Coding change: c.789+6T>C on transcript NM_001353108.3 (MANE Select); 6 bases into the intron after coding-DNA position 789, T replaced by C.
Molecular consequence: intron variant.
Genome position (GRCh38, 1-based): chr3:134,545,825, T>C. VCF-style: chr3-134545825-T-C. GRCh37 (hg19) VCF-style: chr3-134264667-T-C.
Other names: c.789+6T>C (NM_001353113.1, NM_001042384.2, NM_001353122.1 and 13 more transcripts); c.816+6T>C (NM_001353118.1); c.426+6T>C (NM_001353126.2); c.705+6T>C (NM_001353125.2).
Identifiers: ClinVar variation 2081327 (VCV002081327.1), dbSNP rs759109636, ClinGen allele CA2628479.
Genomic context (GRCh38, chr3:134,545,825, plus strand): 5'-ACAGGAGCAGCAGCAAAAAGAAGAAAAATTGAGGGAATCTGAAAAACTATTAGAGGTATG[T>C]TTTAAAATCACTATAATTGGGGGAAGTGTGTGTATGAGTATTTTAAGAGAGTGTTATTAA-3'

ClinVar aggregate classification (germline): Uncertain significance (1 of 4 stars; one submission).

Allele frequency attached by ClinVar (database versions not stated): gnomAD exomes 0.00010; TOPMed 0.00010; ExAC 0.00029.
gnomAD v4.1: 61 of 1,594,386 alleles (0.0038%); highest among the groups gnomAD compares: Admixed American, 0.1%; no homozygotes.

Submission:

Labcorp Genetics (formerly Invitae), Labcorp
Classification: Uncertain significance. Last evaluated: 2022-07-01. Review status: criteria provided, single submitter. Criteria: Invitae Variant Classification Sherloc (09022015). Collection method: clinical testing. Allele origin: germline.
Comment: This sequence change falls in intron 8 of the CEP63 gene. It does not directly change the encoded amino acid sequence of the CEP63 protein. It affects a nucleotide within the consensus splice site. This variant is present in population databases (rs759109636, gnomAD 0.1%). This variant has not been reported in the literature in individuals affected with CEP63-related conditions. Variants that disrupt the consensus splice site are a relatively common cause of aberrant splicing (PMID: 17576681, 9536098). Algorithms developed to predict the effect of sequence changes on RNA splicing suggest that this variant is not likely to affect RNA splicing. In summary, the available evidence is currently insufficient to determine the role of this variant in disease. Therefore, it has been classified as a Variant of Uncertain Significance.

Literature cited by the submitters: PubMed 17576681; PubMed 9536098.